The following is an entry in ClinVar:

NM_017617.5(NOTCH1):c.3868G>A (p.Asp1290Asn)

Gene: NOTCH1 (notch receptor 1; minus strand). Cytogenetic location: 9q34.3.
Variant type: single nucleotide variant.
Coding change: c.3868G>A on transcript NM_017617.5 (MANE Select); coding-DNA position 3868, G replaced by A.
Protein change: p.Asp1290Asn; replaces aspartic acid 1290 with asparagine.
Molecular consequence: missense variant.
Genome position (GRCh38, 1-based): chr9:136,506,749, C>T on the plus strand (G>A on the coding strand, the complement: NOTCH1 is on the minus strand). VCF-style: chr9-136506749-C-T. GRCh37 (hg19) VCF-style: chr9-139401201-C-T.
Other names: short protein forms D1290N.
Identifiers: ClinVar variation 2768414 (VCV002768414.3), dbSNP rs1472162732, ClinGen allele CA375549012.

ClinVar aggregate classification (germline): Uncertain significance (1 of 4 stars; one submission).

Conditions:
Adams-Oliver syndrome 5 (AOS5). Identifiers: Orphanet 974, MedGen C4014970, MONDO:0014459, OMIM 616028.

Submission:

Labcorp Genetics (formerly Invitae), Labcorp
Classification: Uncertain significance for Adams-Oliver syndrome 5. Last evaluated: 2023-10-14. Review status: criteria provided, single submitter. Criteria: Invitae Variant Classification Sherloc (09022015). Collection method: clinical testing. Allele origin: germline.
Comment: This sequence change replaces aspartic acid, which is acidic and polar, with asparagine, which is neutral and polar, at codon 1290 of the NOTCH1 protein (p.Asp1290Asn). This variant is not present in population databases (gnomAD no frequency). This variant has not been reported in the literature in individuals affected with NOTCH1-related conditions. Advanced modeling of protein sequence and biophysical properties (such as structural, functional, and spatial information, amino acid conservation, physicochemical variation, residue mobility, and thermodynamic stability) performed at Invitae indicates that this missense variant is not expected to disrupt NOTCH1 protein function. In summary, the available evidence is currently insufficient to determine the role of this variant in disease. Therefore, it has been classified as a Variant of Uncertain Significance.